The following is an entry in ClinVar:

NM_020975.6(RET):c.395T>G (p.Leu132Arg)

Gene: RET (ret proto-oncogene; plus strand). Cytogenetic location: 10q11.21.
Variant type: single nucleotide variant.
Coding change: c.395T>G on transcript NM_020975.6 (MANE Select); coding-DNA position 395, T replaced by G.
Protein change: p.Leu132Arg; replaces leucine 132 with arginine.
Molecular consequence: missense variant.
Genome position (GRCh38, 1-based): chr10:43,102,399, T>G. VCF-style: chr10-43102399-T-G. GRCh37 (hg19) VCF-style: chr10-43597847-T-G.
Other names: c.395T>G, p.Leu132Arg (NM_000323.2, NM_001406743.1, NM_001406744.1 and 16 more transcripts); short protein forms L132R.
Identifiers: ClinVar variation 2133388 (VCV002133388.4), dbSNP rs2132679223, ClinGen allele CA376770732.

ClinVar aggregate classification (germline): Uncertain significance (1 of 4 stars; one submission).

Conditions:
Multiple endocrine neoplasia, type 2 (MEN2). Identifiers: Orphanet 653, MedGen C4048306, MONDO:0019003. Disease mechanism: gain of function.

Submission:

Labcorp Genetics (formerly Invitae), Labcorp
Classification: Uncertain significance for Multiple endocrine neoplasia, type 2. Last evaluated: 2022-05-04. Review status: criteria provided, single submitter. Criteria: Invitae Variant Classification Sherloc (09022015). Collection method: clinical testing. Allele origin: germline.
Comment: This sequence change replaces leucine, which is neutral and non-polar, with arginine, which is basic and polar, at codon 132 of the RET protein (p.Leu132Arg). This variant is not present in population databases (gnomAD no frequency). This variant has not been reported in the literature in individuals affected with RET-related conditions. Algorithms developed to predict the effect of missense changes on protein structure and function (SIFT, PolyPhen-2, Align-GVGD) all suggest that this variant is likely to be tolerated. In summary, the available evidence is currently insufficient to determine the role of this variant in disease. Therefore, it has been classified as a Variant of Uncertain Significance.